The following is an entry in ClinVar:

ClinVar aggregate classification (germline): Pathogenic (1 of 4 stars; one submission).

Conditions:
Multiple congenital exostosis (EXT). Also called: Multiple osteochondromas; MULTIPLE CARTILAGINOUS EXOSTOSES; Hereditary multiple exostoses; Hereditary multiple exostosis; Hereditary multiple osteochondromas; Multiple exostoses. Identifiers: Orphanet 321, MedGen C0015306, MONDO:0005508, HP:0002762.

Submission:

Labcorp Genetics (formerly Invitae), Labcorp
Classification: Pathogenic for Multiple congenital exostosis. Last evaluated: 2021-05-26. Review status: criteria provided, single submitter. Criteria: Invitae Variant Classification Sherloc (09022015). Collection method: clinical testing. Allele origin: germline.
Comment: For these reasons, this variant has been classified as Pathogenic. This variant disrupts the pLeu264 amino acid residue in EXT1. Other variant(s) that disrupt this residue have been observed in individuals with EXT1-related conditions (PMID: 25230886), which suggests that this may be a clinically significant amino acid residue. Advanced modeling of protein sequence and biophysical properties (such as structural, functional, and spatial information, amino acid conservation, physicochemical variation, residue mobility, and thermodynamic stability) performed at Invitae indicates that this missense variant is expected to disrupt EXT1 protein function. This variant has been observed in individual(s) with multiple osteochondromas (PMID: 29529714, Invitae). This variant is not present in population databases (ExAC no frequency). This sequence change replaces leucine with arginine at codon 264 of the EXT1 protein (p.Leu264Arg). The leucine residue is moderately conserved and there is a moderate physicochemical difference between leucine and arginine.

Literature cited by the submitters: PubMed 25230886; PubMed 29529714.

NM_000127.3(EXT1):c.791T>G (p.Leu264Arg)

Gene: EXT1 (exostosin glycosyltransferase 1; minus strand). Cytogenetic location: 8q24.11.
Variant type: single nucleotide variant.
Coding change: c.791T>G on transcript NM_000127.3 (MANE Select); coding-DNA position 791, T replaced by G.
Protein change: p.Leu264Arg; replaces leucine 264 with arginine.
Molecular consequence: missense variant.
Genome position (GRCh38, 1-based): chr8:118,110,256, A>C on the plus strand (T>G on the coding strand, the complement: EXT1 is on the minus strand). VCF-style: chr8-118110256-A-C. GRCh37 (hg19) VCF-style: chr8-119122495-A-C.
Other names: short protein forms L264R.
Identifiers: ClinVar variation 1457666 (VCV001457666.8), dbSNP rs377162411, ClinGen allele CA371915042.
Genomic context (GRCh38, chr8:118,110,256, plus strand): 5'-TATAAGGCATTCCTGGTGTCTGATCCTATCCCTGTCAGGTACCTCTTCCCCTTGAATACC[A>C]GCATGTACTTCCTGAGAGGAGGGATGGTGTTGAACTTCAAAAACCCCCTCTCCCCTCCTG-3'
Protein context (NP_000118.2, residues 254-274): NTIPPLRKYM[Leu264Arg]VFKGKRYLTG